The following is an entry in ClinVar:

NM_016279.4(CDH9):c.157C>T (p.Arg53Cys)

Gene: CDH9 (cadherin 9; minus strand). Cytogenetic location: 5p14.1.
Variant type: single nucleotide variant.
Coding change: c.157C>T on transcript NM_016279.4 (MANE Select); coding-DNA position 157, C replaced by T.
Protein change: p.Arg53Cys; replaces arginine 53 with cysteine.
Molecular consequence: missense variant.
Genome position (GRCh38, 1-based): chr5:26,988,177, G>A on the plus strand (C>T on the coding strand, the complement: CDH9 is on the minus strand). VCF-style: chr5-26988177-G-A. GRCh37 (hg19) VCF-style: chr5-26988284-G-A.
Other names: c.157C>T (NM_016279.3); short protein forms R53C.
Identifiers: ClinVar variation 4279731 (VCV004279731.2).

ClinVar aggregate classification (germline): Uncertain significance. Review status: criteria provided, multiple submitters, no conflicts (2 of 4 stars). 2 submissions from 2 submitters: Uncertain significance (2). Last evaluated 2025-12-04.

Submissions (2):

Ambry Genetics
Classification: Uncertain significance. Last evaluated: 2025-12-04. Review status: criteria provided, single submitter. Criteria: Ambry Variant Classification Scheme 2023. Collection method: clinical testing. Allele origin: germline.

Clinical Genomics Laboratory, Washington University in St. Louis
Classification: Uncertain significance. Last evaluated: 2025-03-28. Review status: criteria provided, single submitter. Criteria: ACMG Guidelines, 2015. Collection method: clinical testing. Allele origin: germline.
Comment: The CDH9 c.157C>T (p.Arg53Cys) variant, to our knowledge, has not been reported in the medical literature. This variant is observed in only 1/250,214 alleles in the general population (gnomAD v.2.1.1), indicating that it is not a common variant. Computational predictors are uncertain as to the impact of this variant on CDH9 function. Due to limited available information, the clinical significance of this variant remains uncertain.